The following is an entry in ClinVar:

Multiple alleles

Variant type: Haplotype.
Identifiers: ClinVar variation 2664425 (VCV002664425.1).

ClinVar aggregate classification (germline): Pathogenic (1 of 4 stars; one submission).

Conditions:
Primary hyperoxaluria, type II (HP2). Also called: D-GLYCERATE DEHYDROGENASE DEFICIENCY; GLYCERIC ACIDURIA; GLYOXYLATE REDUCTASE/HYDROXYPYRUVATE REDUCTASE DEFICIENCY; OXALOSIS II; Primary hyperoxaluria type 2. Identifiers: Orphanet 416, Orphanet 93599, MedGen C0268165, MONDO:0009824, OMIM 260000. Disease mechanism: loss of function.

Submission:

Clinical Biochemistry Laboratory, Health Services Laboratory
Classification: Pathogenic for Primary hyperoxaluria, type II. Last evaluated: 2023-10-27. Review status: criteria provided, single submitter. Criteria: ACMG Guidelines, 2015. Collection method: clinical testing. Allele origin: germline. Affected: yes.
Comment: ACMG:PVS1 PS3 PM2 PM3 PP4